The following is an entry in ClinVar:

ClinVar aggregate classification (germline): Conflicting classifications of pathogenicity. Review status: criteria provided, conflicting classifications (1 of 4 stars). 3 submissions from 3 submitters: Uncertain significance (2); Benign (1). Last evaluated 2026-05-29.

Conditions:
Hereditary cancer-predisposing syndrome. Also called: Hereditary Cancer Syndrome; Tumor predisposition; Hereditary neoplastic syndrome; Neoplastic Syndromes, Hereditary. Identifiers: Orphanet 140162, MedGen C0027672, MeSH D009386, MONDO:0015356.
Renal cell carcinoma. Identifiers: Orphanet 217071, MedGen C0007134, MeSH D002292, MONDO:0005086, HP:0005584.

Allele frequency attached by ClinVar (database versions not stated): ExAC 0.00003; gnomAD exomes 0.00001; TOPMed 0.00001; gnomAD 0.00001.
gnomAD v4.1: 19 of 1,609,482 alleles (0.0012%); highest among the groups gnomAD compares: Admixed American, 0.0017%; no homozygotes.

Submissions (3):

Ambry Genetics
Classification: Benign for Hereditary cancer-predisposing syndrome. Last evaluated: 2026-05-29. Review status: criteria provided, single submitter. Criteria: Ambry Variant Classification Scheme 2023. Collection method: clinical testing. Allele origin: germline.

Labcorp Genetics (formerly Invitae), Labcorp
Classification: Uncertain significance for Renal cell carcinoma. Last evaluated: 2025-12-16. Review status: criteria provided, single submitter. Criteria: Invitae Variant Classification Sherloc (09022015). Collection method: clinical testing. Allele origin: germline.
Comment: This sequence change replaces serine, which is neutral and polar, with glycine, which is neutral and non-polar, at codon 766 of the MET protein (p.Ser766Gly). This variant is present in population databases (rs750004615, gnomAD 0.002%). This variant has not been reported in the literature in individuals affected with MET-related conditions. ClinVar contains an entry for this variant (Variation ID: 411905). An algorithm developed to predict the effect of missense changes on protein structure and function (PolyPhen-2) suggests that this variant is likely to be tolerated. In summary, the available evidence is currently insufficient to determine the role of this variant in disease. Therefore, it has been classified as a Variant of Uncertain Significance.

GeneDx
Classification: Uncertain significance. Last evaluated: 2023-05-26. Review status: criteria provided, single submitter. Criteria: GeneDx Variant Classification Process June 2021. Collection method: clinical testing. Allele origin: germline. Affected: yes.
Comment: Not observed at significant frequency in large population cohorts (gnomAD); In silico analysis supports that this missense variant does not alter protein structure/function; In silico analysis suggests this variant may impact gene splicing. In the absence of RNA/functional studies, the actual effect of this sequence change is unknown.; Has not been previously published as pathogenic or benign to our knowledge

NM_000245.4(MET):c.2265-23A>G

Gene: MET (MET proto-oncogene, receptor tyrosine kinase; plus strand). Cytogenetic location: 7q31.2.
Variant type: single nucleotide variant.
Coding change: c.2265-23A>G on transcript NM_000245.4 (MANE Select); 23 bases into the intron before coding-DNA position 2265, A replaced by G.
Molecular consequence: intron variant. On other transcripts: missense variant (1).
Genome position (GRCh38, 1-based): chr7:116,759,368, A>G. VCF-style: chr7-116759368-A-G. GRCh37 (hg19) VCF-style: chr7-116399422-A-G.
Other names: c.2296A>G, p.Ser766Gly (NM_001127500.3); c.975-23A>G (NM_001324402.2); c.2265-23A>G (NM_001324401.3); short protein forms S766G.
Identifiers: ClinVar variation 411905 (VCV000411905.15), dbSNP rs750004615, ClinGen allele CA4448445.